The following is an entry in ClinVar:

ClinVar aggregate classification (germline): Uncertain significance (1 of 4 stars; one submission).

Submission:

Labcorp Genetics (formerly Invitae), Labcorp
Classification: Uncertain significance. Last evaluated: 2025-06-09. Review status: criteria provided, single submitter. Criteria: Invitae Variant Classification Sherloc (09022015). Collection method: clinical testing. Allele origin: germline.
Comment: This sequence change replaces serine, which is neutral and polar, with leucine, which is neutral and non-polar, at codon 1275 of the SETBP1 protein (p.Ser1275Leu). This variant is present in population databases (no rsID available, gnomAD 0.02%). This missense change has been observed in individual(s) with clinical features of SETBP1-related conditions (internal data). ClinVar contains an entry for this variant (Variation ID: 1500024). An algorithm developed to predict the effect of missense changes on protein structure and function (PolyPhen-2) suggests that this variant is likely to be tolerated. In summary, the available evidence is currently insufficient to determine the role of this variant in disease. Therefore, it has been classified as a Variant of Uncertain Significance.

NM_015559.3(SETBP1):c.3824_3825inv (p.Ser1275Leu)

Gene: SETBP1 (SET binding protein 1; plus strand). Cytogenetic location: 18q12.3.
Variant type: Inversion.
Coding change: c.3824_3825inv on transcript NM_015559.3 (MANE Select).
Protein change: p.Ser1275Leu; replaces serine 1275 with leucine.
Molecular consequence: missense variant.
Genome position: GRCh38 VCF-style: chr18-44953164-CA-TG. GRCh37 (hg19) VCF-style: chr18-42533129-CA-TG.
Other names: c.3824_3825inv, p.Ser1275Leu (NM_001379141.1, NM_001379142.1); short protein forms S1275L.
Identifiers: ClinVar variation 1500024 (VCV001500024.8), ClinGen allele CA2573155232.
Genomic context (GRCh38, chr18:44,953,164, plus strand): 5'-CTGTGGACTCATGCACGAAAAGATACTCTGGCAGTGGCGGGGATGGTGGCAGCACGAGAT[CA>TG]GAGAACCTGGACGTGTTCAGTGAAATGAACCCTTCGAATGACAAGTGGGACAGTGACGTG-3'
Protein context (NP_056374.2, residues 1265-1285): GSGGDGGSTR[Ser1275Leu]ENLDVFSEMN